The following is an entry in ClinVar:

ClinVar aggregate classification (germline): Uncertain significance (1 of 4 stars; one submission).

Conditions:
Zellweger spectrum disorders (ZS). Also called: Zellweger syndrome; Zellweger Spectrum Disorder; Zellweger Spectrum; Zellweger Spectrum Disorder (ZSD). Identifiers: Orphanet 912, MedGen C0043459, MONDO:0019609.

gnomAD v4.1: 3 of 1,614,138 alleles (0.00019%); highest among the groups gnomAD compares: Middle Eastern, 0.016%; no homozygotes.

Submission:

Labcorp Genetics (formerly Invitae), Labcorp
Classification: Uncertain significance for Zellweger spectrum disorders. Last evaluated: 2021-03-08. Review status: criteria provided, single submitter. Criteria: Invitae Variant Classification Sherloc (09022015). Collection method: clinical testing. Allele origin: germline.
Comment: This sequence change replaces histidine with arginine at codon 307 of the PEX1 protein (p.His307Arg). The histidine residue is weakly conserved and there is a small physicochemical difference between histidine and arginine. This variant is not present in population databases (ExAC no frequency). This variant has not been reported in the literature in individuals with PEX1-related disease. Algorithms developed to predict the effect of missense changes on protein structure and function output the following: SIFT: "Tolerated"; PolyPhen-2: "Benign"; Align-GVGD: "Class C0". The arginine amino acid residue is found in multiple mammalian species, suggesting that this missense change does not adversely affect protein function. These predictions have not been confirmed by published functional studies and their clinical significance is uncertain. In summary, the available evidence is currently insufficient to determine the role of this variant in disease. Therefore, it has been classified as a Variant of Uncertain Significance.

NM_000466.3(PEX1):c.920A>G (p.His307Arg)

Gene: PEX1 (peroxisomal biogenesis factor 1; minus strand). Cytogenetic location: 7q21.2.
Variant type: single nucleotide variant.
Coding change: c.920A>G on transcript NM_000466.3 (MANE Select); coding-DNA position 920, A replaced by G.
Protein change: p.His307Arg; replaces histidine 307 with arginine.
Molecular consequence: missense variant.
Genome position (GRCh38, 1-based): chr7:92,517,595, T>C on the plus strand (A>G on the coding strand, the complement: PEX1 is on the minus strand). VCF-style: chr7-92517595-T-C. GRCh37 (hg19) VCF-style: chr7-92146909-T-C.
Other names: c.920A>G, p.His307Arg (NM_001282677.2); c.296A>G, p.His99Arg (NM_001282678.2); short protein forms H99R, H307R.
Identifiers: ClinVar variation 2140798 (VCV002140798.1), dbSNP rs563671482, ClinGen allele CA368198989.